The following is an entry in ClinVar:

NM_016222.4(DDX41):c.511G>C (p.Val171Leu)

Gene: DDX41 (DEAD-box helicase 41; minus strand). Cytogenetic location: 5q35.3.
Variant type: single nucleotide variant.
Coding change: c.511G>C on transcript NM_016222.4 (MANE Select); coding-DNA position 511, G replaced by C.
Protein change: p.Val171Leu; replaces valine 171 with leucine.
Molecular consequence: missense variant.
Genome position (GRCh38, 1-based): chr5:177,515,745, C>G on the plus strand (G>C on the coding strand, the complement: DDX41 is on the minus strand). VCF-style: chr5-177515745-C-G. GRCh37 (hg19) VCF-style: chr5-176942746-C-G.
Other names: c.133G>C, p.Val45Leu (NM_001321732.2, NM_001321830.2); short protein forms V171L, V45L.
Identifiers: ClinVar variation 1336347 (VCV001336347.12), dbSNP rs200005940, ClinGen allele CA3585178.

ClinVar aggregate classification (germline): Uncertain significance. Review status: criteria provided, multiple submitters, no conflicts (2 of 4 stars). 5 submissions from 5 submitters: Uncertain significance (5). Last evaluated 2025-04-14.

Conditions:
DDX41-related hematologic malignancy predisposition syndrome. Also called: Myeloproliferative/lymphoproliferative neoplasms, familial (multiple types), susceptibility to; DDX41-Associated Familial Myelodysplastic Syndrome and Acute Myeloid Leukemia. Identifiers: Orphanet 488647, MedGen C4225174, MONDO:0014809, OMIM 616871.
Inborn genetic diseases. Identifiers: MedGen C0950123, MeSH D030342.

Allele frequency attached by ClinVar (database versions not stated): ExAC 0.00001; gnomAD 0.00001; TOPMed 0.00002.

Submissions (5):

GeneDx
Classification: Uncertain significance. Last evaluated: 2025-04-14. Review status: criteria provided, single submitter. Criteria: GeneDx Variant Classification Process June 2021. Collection method: clinical testing. Allele origin: germline.
Comment: Not observed at significant frequency in large population cohorts (gnomAD); In silico analysis indicates that this missense variant does not alter protein structure/function; This variant is associated with the following publications: (PMID: 37506341, 33850299, 33929502, 27721487, 40040251)

Ambry Genetics
Classification: Uncertain significance for Inborn genetic diseases. Last evaluated: 2025-04-03. Review status: criteria provided, single submitter. Criteria: Ambry Variant Classification Scheme 2023. Collection method: clinical testing. Allele origin: germline.
Comment: The p.V171L variant (also known as c.511G>C), located in coding exon 6 of the DDX41 gene, results from a G to C substitution at nucleotide position 511. The valine at codon 171 is replaced by leucine, an amino acid with highly similar properties. This variant has been identified in individuals with a personal history of precursor B-ALL, MDS, and leukopenia, but germline origin was not confirmed in all cases (Byrjalsen A et al. PLoS Genet, 2020 Dec;16:e1009231; Goyal T et al. Am J Clin Pathol, 2021 Oct;156:829-838; Badar T et al. Haematologica, 2023 Nov;108:3033-3043). This amino acid position is highly conserved in available vertebrate species. In addition, this alteration is predicted to be tolerated by in silico analysis. Based on the available evidence, the clinical significance of this variant remains unclear.

Labcorp Genetics (formerly Invitae), Labcorp
Classification: Uncertain significance. Last evaluated: 2024-06-19. Review status: criteria provided, single submitter. Criteria: Invitae Variant Classification Sherloc (09022015). Collection method: clinical testing. Allele origin: germline.
Comment: This sequence change replaces valine, which is neutral and non-polar, with leucine, which is neutral and non-polar, at codon 171 of the DDX41 protein (p.Val171Leu). This variant is present in population databases (rs200005940, gnomAD 0.005%). This missense change has been observed in individual(s) with DDX41-related conditions (PMID: 33850299, 33929502, 35671390, 37199125). ClinVar contains an entry for this variant (Variation ID: 1336347). An algorithm developed to predict the effect of missense changes on protein structure and function (PolyPhen-2) suggests that this variant is likely to be tolerated. In summary, the available evidence is currently insufficient to determine the role of this variant in disease. Therefore, it has been classified as a Variant of Uncertain Significance.

Baylor Genetics
Classification: Uncertain significance for DDX41-related hematologic malignancy predisposition syndrome. Last evaluated: 2023-07-10. Review status: criteria provided, single submitter. Criteria: ACMG Guidelines, 2015. Collection method: clinical testing. Allele origin: unknown.

Genetic Services Laboratory, University of Chicago
Classification: Uncertain significance. Last evaluated: 2018-03-16. Review status: criteria provided, single submitter. Criteria: ACMG Guidelines, 2015. Collection method: clinical testing. Allele origin: germline. Affected: no.

Literature cited by the submitters: PubMed 33332384 (cited by Ambry Genetics); PubMed 33929502 (cited by Ambry Genetics and Labcorp Genetics (formerly Invitae), Labcorp); PubMed 37199125 (cited by Ambry Genetics and Labcorp Genetics (formerly Invitae), Labcorp); PubMed 33850299 (cited by Labcorp Genetics (formerly Invitae), Labcorp); PubMed 35671390 (cited by Labcorp Genetics (formerly Invitae), Labcorp).